The following is an entry in ClinVar:

ClinVar aggregate classification (germline): Uncertain significance (1 of 4 stars; one submission).

Allele frequency attached by ClinVar (database versions not stated): gnomAD 0.00001; gnomAD exomes below 0.00001; TOPMed below 0.00001; ExAC 0.00001.
gnomAD v4.1: 2 of 1,613,438 alleles (0.00012%); highest among the groups gnomAD compares: East Asian, 0.0045%; no homozygotes.

Submission:

Labcorp Genetics (formerly Invitae), Labcorp
Classification: Uncertain significance. Last evaluated: 2023-02-11. Review status: criteria provided, single submitter. Criteria: Invitae Variant Classification Sherloc (09022015). Collection method: clinical testing. Allele origin: germline.
Comment: In summary, the available evidence is currently insufficient to determine the role of this variant in disease. Therefore, it has been classified as a Variant of Uncertain Significance. Algorithms developed to predict the effect of missense changes on protein structure and function output the following: SIFT: "Deleterious"; PolyPhen-2: "Possibly Damaging"; Align-GVGD: "Class C0". The alanine amino acid residue is found in multiple mammalian species, which suggests that this missense change does not adversely affect protein function. This variant has not been reported in the literature in individuals affected with SON-related conditions. This variant is present in population databases (rs767976220, gnomAD 0.01%). This sequence change replaces valine, which is neutral and non-polar, with alanine, which is neutral and non-polar, at codon 1628 of the SON protein (p.Val1628Ala).

NM_138927.4(SON):c.4883T>C (p.Val1628Ala)

Gene: SON (SON DNA and RNA binding protein; plus strand). Cytogenetic location: 21q22.11.
Variant type: single nucleotide variant.
Coding change: c.4883T>C on transcript NM_138927.4 (MANE Select); coding-DNA position 4883, T replaced by C.
Protein change: p.Val1628Ala; replaces valine 1628 with alanine.
Molecular consequence: missense variant. On other transcripts: non-coding transcript variant (1), intron variant (1).
Genome position (GRCh38, 1-based): chr21:33,554,114, T>C. VCF-style: chr21-33554114-T-C. GRCh37 (hg19) VCF-style: chr21-34926420-T-C.
Other names: c.4883T>C, p.Val1628Ala (NM_001291411.2, NM_001412133.1, NM_032195.3 and 2 more transcripts); c.245-3042T>C (NM_001291412.3); short protein forms V1628A.
Identifiers: ClinVar variation 2836548 (VCV002836548.3), dbSNP rs767976220, ClinGen allele CA10009617.